The following is an entry in ClinVar:

NM_000551.4(VHL):c.257C>G (p.Pro86Arg)

Gene: VHL (von Hippel-Lindau tumor suppressor; plus strand). Cytogenetic location: 3p25.3.
Variant type: single nucleotide variant.
Coding change: c.257C>G on transcript NM_000551.4 (MANE Select); coding-DNA position 257, C replaced by G.
Protein change: p.Pro86Arg; replaces proline 86 with arginine.
Molecular consequence: missense variant.
Genome position (GRCh38, 1-based): chr3:10,142,104, C>G. VCF-style: chr3-10142104-C-G. GRCh37 (hg19) VCF-style: chr3-10183788-C-G.
Other names: c.257C>G, p.Pro86Arg (NM_001354723.2, NM_198156.3); short protein forms P86R.
Identifiers: ClinVar variation 223170 (VCV000223170.14), dbSNP rs730882034, ClinGen allele CA357142.

ClinVar aggregate classification (germline): Pathogenic/Likely pathogenic. Review status: criteria provided, multiple submitters, no conflicts (2 of 4 stars). 7 submissions from 7 submitters: Pathogenic (5); Likely pathogenic (1). 1 of the submissions does not count toward it. Last evaluated 2024-07-11.

Conditions:
Von Hippel-Lindau syndrome (VHLS). Also called: Von Hippel-Lindau; von Hippel–Lindau syndrome; VHL syndrome. Identifiers: Orphanet 892, MedGen C0019562, MONDO:0008667, OMIM 193300. Disease mechanism: loss of function.
Chuvash polycythemia. Also called: POLYCYTHEMIA, VHL-DEPENDENT. Identifiers: Orphanet 238557, MedGen C1837915, MONDO:0009892, OMIM 263400.
Hereditary cancer-predisposing syndrome. Also called: Tumor predisposition; Hereditary neoplastic syndrome; Neoplastic Syndromes, Hereditary; Hereditary Cancer Syndrome. Identifiers: Orphanet 140162, MedGen C0027672, MeSH D009386, MONDO:0015356.

Submissions (7):

Labcorp Genetics (formerly Invitae), Labcorp
Classification: Pathogenic for Von Hippel-Lindau syndrome; Chuvash polycythemia. Last evaluated: 2024-07-11. Review status: criteria provided, single submitter. Criteria: Invitae Variant Classification Sherloc (09022015). Collection method: clinical testing. Allele origin: germline.
Comment: This sequence change replaces proline, which is neutral and non-polar, with arginine, which is basic and polar, at codon 86 of the VHL protein (p.Pro86Arg). This variant is not present in population databases (gnomAD no frequency). This missense change has been observed in individuals with von Hippel-Lindau syndrome (PMID: 9829911, 11257211, 17024664, 19408298). ClinVar contains an entry for this variant (Variation ID: 223170). Advanced modeling of protein sequence and biophysical properties (such as structural, functional, and spatial information, amino acid conservation, physicochemical variation, residue mobility, and thermodynamic stability) performed at Invitae indicates that this missense variant is expected to disrupt VHL protein function with a positive predictive value of 95%. This variant disrupts the p.Pro86 amino acid residue in VHL. Other variant(s) that disrupt this residue have been determined to be pathogenic (PMID: 9829912, 10205047, 22799452, 27034144, 27057652, 27527340). This suggests that this residue is clinically significant, and that variants that disrupt this residue are likely to be disease-causing. For these reasons, this variant has been classified as Pathogenic.

Ambry Genetics
Classification: Pathogenic for Hereditary cancer-predisposing syndrome. Last evaluated: 2023-07-28. Review status: criteria provided, single submitter. Criteria: Ambry Variant Classification Scheme 2023. Collection method: clinical testing. Allele origin: germline.
Comment: The p.P86R pathogenic mutation (also known as c.257C>G), located in coding exon 1 of the VHL gene, results from a C to G substitution at nucleotide position 257. The proline at codon 86 is replaced by arginine, an amino acid with dissimilar properties. This variant has been reported in numerous families with a diagnosis of Von Hippel-Lindau syndrome (VHL) (Stolle C et al. Hum. Mutat. 1998;12:417-23; Rothberg PG et al. Mol. Diagn. 2001 Mar;6:49-54; Ong KR et al. Hum. Mutat. 2007 Feb;28:143-9; Liu SJ et al. Genet. Med. 2018 10;20:1266-1273). Of note, the p.P86L (c.257C>T) alteration has also been reported as p.P157L (c.470C>T) in some literature. Several other alterations at the same codon (p.P86A, p.P86L, and p.P86S) have been detected in individuals with VHL syndrome suggesting this codon may represent a mutation hotspot. This variant is considered to be rare based on population cohorts in the Genome Aggregation Database (gnomAD). Based on the supporting evidence, this alteration is interpreted as a disease-causing mutation.

Mayo Clinic Laboratories, Mayo Clinic
Classification: Likely pathogenic. Last evaluated: 2023-04-19. Review status: criteria provided, single submitter. Criteria: ACMG Guidelines, 2015. Collection method: clinical testing. Allele origin: germline. Observed: 2 variant alleles.
Comment: PP3, PP4, PM1, PM2, PM5

Institute for Clinical Genetics, University Hospital TU Dresden, University Hospital TU Dresden
Classification: Pathogenic. Last evaluated: 2021-11-03. Review status: criteria provided, single submitter. Criteria: ACMG Guidelines, 2015. Collection method: clinical testing. Allele origin: germline.

Center for Human Genetics, Inc
Classification: Pathogenic for Von Hippel-Lindau syndrome. Last evaluated: 2016-11-01. Review status: criteria provided, single submitter. Criteria: ACMG Guidelines, 2015. Collection method: clinical testing. Allele origin: germline. Affected: yes.

Women's Health and Genetics/Laboratory Corporation of America, LabCorp
Classification: Pathogenic for Von Hippel-Lindau syndrome. Last evaluated: 2016-02-02. Review status: criteria provided, single submitter. Criteria: LabCorp Variant Classification Summary - May 2015. Collection method: clinical testing. Allele origin: germline.

Genomic Diagnostic Laboratory, Division of Genomic Diagnostics, Children's Hospital of Philadelphia
Classification: Likely pathogenic for Von Hippel-Lindau syndrome. Last evaluated: 2016-02-26. Review status: no assertion criteria provided. Collection method: clinical testing. Allele origin: germline. Affected: yes. Observed: 3 variant alleles. Not counted in ClinVar's aggregate classification.

Literature cited by the submitters: PubMed 9829911 (cited by 3 submitters); PubMed 11257211 (cited by 3 submitters); PubMed 17024664 (cited by 3 submitters); PubMed 19408298 (cited by Labcorp Genetics (formerly Invitae), Labcorp and Mayo Clinic Laboratories, Mayo Clinic); PubMed 9829912 (cited by Labcorp Genetics (formerly Invitae), Labcorp); PubMed 10205047 (cited by Labcorp Genetics (formerly Invitae), Labcorp); PubMed 22799452 (cited by Labcorp Genetics (formerly Invitae), Labcorp); PubMed 27034144 (cited by Labcorp Genetics (formerly Invitae), Labcorp); PubMed 27057652 (cited by Labcorp Genetics (formerly Invitae), Labcorp); PubMed 27527340 (cited by Labcorp Genetics (formerly Invitae), Labcorp); PubMed 29595810 (cited by Ambry Genetics and Mayo Clinic Laboratories, Mayo Clinic); PubMed 10761708 (cited by Mayo Clinic Laboratories, Mayo Clinic); PubMed 15918937 (cited by Mayo Clinic Laboratories, Mayo Clinic); PubMed 17688370 (cited by Mayo Clinic Laboratories, Mayo Clinic); PubMed 18836774 (cited by Mayo Clinic Laboratories, Mayo Clinic); PubMed 19464396 (cited by Mayo Clinic Laboratories, Mayo Clinic); PubMed 24335534 (cited by Mayo Clinic Laboratories, Mayo Clinic); PubMed 27179072 (cited by Mayo Clinic Laboratories, Mayo Clinic); PubMed 29748190 (cited by Mayo Clinic Laboratories, Mayo Clinic); PubMed 7728151 (cited by Mayo Clinic Laboratories, Mayo Clinic); PubMed 11114638 (cited by Women's Health and Genetics/Laboratory Corporation of America, LabCorp).